The following is an entry in ClinVar:

NM_002900.3(RBP3):c.1934A>C (p.His645Pro)

Gene: RBP3 (retinol binding protein 3; plus strand). Cytogenetic location: 10q11.22.
Variant type: single nucleotide variant.
Coding change: c.1934A>C on transcript NM_002900.3 (MANE Select); coding-DNA position 1934, A replaced by C.
Protein change: p.His645Pro; replaces histidine 645 with proline.
Molecular consequence: missense variant.
Genome position (GRCh38, 1-based): chr10:47,350,418, A>C. VCF-style: chr10-47350418-A-C. GRCh37 (hg19) VCF-style: chr10-48388944-T-G.
Other names: short protein forms H645P.
Identifiers: ClinVar variation 1394081 (VCV001394081.6), dbSNP rs782193283, ClinGen allele CA5487395.

ClinVar aggregate classification (germline): Uncertain significance (1 of 4 stars; one submission).

Allele frequency attached by ClinVar (database versions not stated): gnomAD exomes 0.00001; ExAC 0.00003.
gnomAD v4.1: 4 of 1,612,188 alleles (0.00025%); highest among the groups gnomAD compares: Non-Finnish European, 0.00034%; no homozygotes.

Submission:

Labcorp Genetics (formerly Invitae), Labcorp
Classification: Uncertain significance. Last evaluated: 2021-11-19. Review status: criteria provided, single submitter. Criteria: Invitae Variant Classification Sherloc (09022015). Collection method: clinical testing. Allele origin: germline.
Comment: In summary, the available evidence is currently insufficient to determine the role of this variant in disease. Therefore, it has been classified as a Variant of Uncertain Significance. Algorithms developed to predict the effect of missense changes on protein structure and function (SIFT, PolyPhen-2, Align-GVGD) all suggest that this variant is likely to be tolerated. This variant has not been reported in the literature in individuals affected with RBP3-related conditions. This variant is present in population databases (rs782193283, gnomAD 0.003%). This sequence change replaces histidine, which is basic and polar, with proline, which is neutral and non-polar, at codon 645 of the RBP3 protein (p.His645Pro).